The following is an entry in ClinVar:

NM_000545.8(HNF1A):c.934del (p.Leu312fs)

Gene: HNF1A (HNF1 homeobox A; plus strand). Cytogenetic location: 12q24.31.
Variant type: Deletion.
Coding change: c.934del on transcript NM_000545.8 (MANE Select); coding-DNA position 934, one base deleted (C; older notation c.934delC).
Protein change: p.Leu312fs; shifts the reading frame from leucine 312.
Molecular consequence: frameshift variant.
Genome position (GRCh38, 1-based): chr12:120,994,384, C deleted; the last of 3 consecutive C bases (chr12:120,994,382-120,994,384); deleting any one gives the same sequence. VCF-style (leftmost placement, unchanged base first): chr12-120994381-GC-G. GRCh37 (hg19) VCF-style: chr12-121432184-GC-G.
Other names: c.934del, p.Leu312fs (NM_001306179.2, NM_001406915.1); short protein forms L312fs.
Identifiers: ClinVar variation 2824379 (VCV002824379.3), dbSNP rs2499998234, ClinGen allele CA2739277334.

ClinVar aggregate classification (germline): Pathogenic (1 of 4 stars; one submission).

Submission:

Labcorp Genetics (formerly Invitae), Labcorp
Classification: Pathogenic. Last evaluated: 2022-12-26. Review status: criteria provided, single submitter. Criteria: Invitae Variant Classification Sherloc (09022015). Collection method: clinical testing. Allele origin: germline.
Comment: For these reasons, this variant has been classified as Pathogenic. This variant has not been reported in the literature in individuals affected with HNF1A-related conditions. This variant is not present in population databases (gnomAD no frequency). This sequence change creates a premature translational stop signal (p.Leu312Serfs*30) in the HNF1A gene. It is expected to result in an absent or disrupted protein product. Loss-of-function variants in HNF1A are known to be pathogenic (PMID: 15928245, 18003757).

Literature cited by the submitters: PubMed 15928245; PubMed 18003757.